The following is an entry in ClinVar:

ClinVar aggregate classification (germline): Uncertain significance (1 of 4 stars; one submission).

Conditions:
Norman-Roberts syndrome (LIS2). Also called: Lissencephaly 2 (Norman-Roberts type). Identifiers: Orphanet 89844, MedGen C0796089, MONDO:0009760, OMIM 257320.
Familial temporal lobe epilepsy 7. Identifiers: Orphanet 101046, MedGen C4225327, MONDO:0014639, OMIM 616436.

gnomAD v4.1: 1 of 1,613,796 alleles (0.000062%); highest among the groups gnomAD compares: Non-Finnish European, 0.000085%; no homozygotes.

Submission:

Labcorp Genetics (formerly Invitae), Labcorp
Classification: Uncertain significance for Familial temporal lobe epilepsy 7; Norman-Roberts syndrome. Last evaluated: 2025-10-02. Review status: criteria provided, single submitter. Criteria: Invitae Variant Classification Sherloc (09022015). Collection method: clinical testing. Allele origin: germline.
Comment: This sequence change replaces proline, which is neutral and non-polar, with arginine, which is basic and polar, at codon 1912 of the RELN protein (p.Pro1912Arg). This variant is not present in population databases (gnomAD no frequency). This variant has not been reported in the literature in individuals affected with RELN-related conditions. Invitae Evidence Modeling of protein sequence and biophysical properties (such as structural, functional, and spatial information, amino acid conservation, physicochemical variation, residue mobility, and thermodynamic stability) indicates that this missense variant is not expected to disrupt RELN protein function with a negative predictive value of 80%. In summary, the available evidence is currently insufficient to determine the role of this variant in disease. Therefore, it has been classified as a Variant of Uncertain Significance.

NM_005045.4(RELN):c.5735C>G (p.Pro1912Arg)

Gene: RELN (reelin; minus strand). Cytogenetic location: 7q22.1.
Variant type: single nucleotide variant.
Coding change: c.5735C>G on transcript NM_005045.4 (MANE Select); coding-DNA position 5735, C replaced by G.
Protein change: p.Pro1912Arg; replaces proline 1912 with arginine.
Molecular consequence: missense variant.
Genome position (GRCh38, 1-based): chr7:103,557,039, G>C on the plus strand (C>G on the coding strand, the complement: RELN is on the minus strand). VCF-style: chr7-103557039-G-C. GRCh37 (hg19) VCF-style: chr7-103197486-G-C.
Other names: c.5735C>G, p.Pro1912Arg (NM_173054.3); short protein forms P1912R.
Identifiers: ClinVar variation 4782908 (VCV004782908.1).